The following is an entry in ClinVar:

ClinVar aggregate classification (germline): Likely benign. Review status: criteria provided, single submitter (1 of 4 stars). 2 submissions from 2 submitters: Likely benign (1). 1 of the submissions does not count toward it. Last evaluated 2025-11-23.

Conditions:
MRPS16-related disorder. Also called: MRPS16-related condition.

Allele frequency attached by ClinVar (database versions not stated): gnomAD exomes 0.00002; ExAC 0.00003; gnomAD 0.00033; 1000 Genomes Project 0.00060; 1000 Genomes Project 30x 0.00062; TOPMed 0.00071.
gnomAD v4.1: 91 of 1,614,206 alleles (0.0056%); highest among the groups gnomAD compares: Admixed American, 0.11%; no homozygotes.

Submissions (2):

Labcorp Genetics (formerly Invitae), Labcorp
Classification: Likely benign. Last evaluated: 2025-11-23. Review status: criteria provided, single submitter. Criteria: Invitae Variant Classification Sherloc (09022015). Collection method: clinical testing. Allele origin: germline.

PreventionGenetics, part of Exact Sciences
Classification: Likely benign for MRPS16-related condition. Last evaluated: 2019-09-13. Review status: no assertion criteria provided. Collection method: clinical testing. Allele origin: germline. Not counted in ClinVar's aggregate classification.
Comment: This variant is classified as likely benign based on ACMG/AMP sequence variant interpretation guidelines (Richards et al. 2015 PMID: 25741868, with internal and published modifications).

NM_016065.4(MRPS16):c.270T>G (p.Leu90=)

Genes: MRPS16 (mitochondrial ribosomal protein S16; minus strand), DNAJC9-AS1 (DNAJC9 and MRPS16 antisense RNA 1; plus strand). Cytogenetic location: 10q22.2.
Variant type: single nucleotide variant.
Coding change: c.270T>G on transcript NM_016065.4 (MANE Select); coding-DNA position 270, T replaced by G.
Protein change: p.Leu90=; no amino-acid change (leucine 90 retained).
Molecular consequence: synonymous variant.
Genome position (GRCh38, 1-based): chr10:73,251,767, A>C on the plus strand (T>G on the coding strand, the complement: MRPS16 is on the minus strand). VCF-style: chr10-73251767-A-C. GRCh37 (hg19) VCF-style: chr10-75011525-A-C.
Other names: c.270T>G, p.Leu90= (NM_001410935.1); c.270T>G (NM_016065.3).
Identifiers: ClinVar variation 2070001 (VCV002070001.6), dbSNP rs559411671, ClinGen allele CA5553374.